The following is an entry in ClinVar:

NM_001754.5(RUNX1):c.614-8C>A

Gene: RUNX1 (RUNX family transcription factor 1; minus strand). Cytogenetic location: 21q22.12.
Variant type: single nucleotide variant.
Coding change: c.614-8C>A on transcript NM_001754.5 (MANE Select); 8 bases into the intron before coding-DNA position 614, C replaced by A.
Molecular consequence: intron variant.
Genome position (GRCh38, 1-based): chr21:34,834,609, G>T on the plus strand (C>A on the coding strand, the complement: RUNX1 is on the minus strand). VCF-style: chr21-34834609-G-T. GRCh37 (hg19) VCF-style: chr21-36206906-G-T.
Other names: c.533-8C>A (NM_001001890.3, NM_001122607.2).
Identifiers: ClinVar variation 2804219 (VCV002804219.4), dbSNP rs2517042528, ClinGen allele CA2654379899.
Genomic context (GRCh38, chr21:34,834,609, plus strand): 5'-GGAAAAGGACAAGCTCCCGGGCTTGGTCTGATCATCTAGTTTCTGCCGATGTCCTATTGT[G>T]GGGAGCAGGGAGGGGAGGGGATGGGGGGAGGGAAGGAGGGAGGGAAGAGATCAGAAAAAG-3'

ClinVar aggregate classification (germline): Likely benign. Review status: reviewed by expert panel (3 of 4 stars). 2 submissions from 2 submitters: Likely benign (1). 1 of the submissions does not count toward it. Last evaluated 2025-01-15.

Conditions:
Hereditary thrombocytopenia and hematological cancer predisposition syndrome associated with RUNX1. Also called: Familial Platelet Disorder with Propensity to Acute Myelogenous Leukemia; Familial thrombocytopenia with propensity to acute myelogenous leukemia; PLATELET DISORDER, ASPIRIN-LIKE; RUNX1 Familial Platelet Disorder with Associated Myeloid Malignancies. Identifiers: Orphanet 71290, MedGen C1832388, MeSH C563324, MONDO:0100083, OMIM 601399.
Hereditary thrombocytopenia and hematologic cancer predisposition syndrome. Identifiers: Orphanet 71290, MedGen CN281654, MONDO:0011071.

Allele frequency attached by ClinVar (database versions not stated): gnomAD exomes below 0.00001.
gnomAD v4.1: 1 of 1,609,716 alleles (0.000062%); highest among the groups gnomAD compares: East Asian, 0.0022%; no homozygotes.

Submissions (2):

ClinGen Myeloid Malignancy Variant Curation Expert Panel
Classification: Likely benign for Hereditary thrombocytopenia and hematologic cancer predisposition syndrome. Last evaluated: 2025-01-15. Review status: reviewed by expert panel. Criteria: ClinGen MyeloMalig ACMG Specifications v2. Collection method: curation. Allele origin: germline. Inheritance: Autosomal dominant inheritance.
Comment: NM_001754.5(RUNX1):c.614-8C>A is an intronic variant which has a SpliceAI score ≤ 0.20 (0.01) (BP4). This variant has a SpliceAI score ≤ 0.20 (0.01) and evolutionary conservation prediction algorithms predict the site as not being conserved (PhyloP score ≤ 2.0 (1.97) (BP7). This variant is completely absent from all population databases with at least 20x coverage for RUNX1 (PM2_Supporting). In summary, this variant meets criteria to be classified as likely benign. ACMG/AMP criteria applied, as specified by the Myeloid Malignancy Variant Curation Expert Panel for RUNX1: BP4, BP7, PM2_supporting.

Labcorp Genetics (formerly Invitae), Labcorp
Classification: Likely benign for Hereditary thrombocytopenia and hematological cancer predisposition syndrome associated with RUNX1. Last evaluated: 2023-05-13. Review status: criteria provided, single submitter. Criteria: Invitae Variant Classification Sherloc (09022015). Collection method: clinical testing. Allele origin: germline. Not counted in ClinVar's aggregate classification.